The following is an entry in ClinVar:

ClinVar aggregate classification (germline): Uncertain significance (1 of 4 stars; one submission).

Conditions:
Hereditary cancer-predisposing syndrome. Also called: Tumor predisposition; Hereditary neoplastic syndrome; Neoplastic Syndromes, Hereditary; Hereditary Cancer Syndrome. Identifiers: Orphanet 140162, MedGen C0027672, MeSH D009386, MONDO:0015356.

Allele frequency attached by ClinVar (database versions not stated): gnomAD 0.00001.
gnomAD v4.1: 1 of 1,613,934 alleles (0.000062%); highest among the groups gnomAD compares: African/African-American, 0.0013%; no homozygotes.

Submission:

Ambry Genetics
Classification: Uncertain significance for Hereditary cancer-predisposing syndrome. Last evaluated: 2024-05-28. Review status: criteria provided, single submitter. Criteria: Ambry Variant Classification Scheme 2023. Collection method: clinical testing. Allele origin: germline.
Comment: The p.M449V variant (also known as c.1345A>G), located in coding exon 9 of the PTCH1 gene, results from an A to G substitution at nucleotide position 1345. The methionine at codon 449 is replaced by valine, an amino acid with highly similar properties. This amino acid position is highly conserved in available vertebrate species. In addition, this alteration is predicted to be deleterious by in silico analysis. Based on the available evidence, the clinical significance of this variant remains unclear.

NM_000264.5(PTCH1):c.1345A>G (p.Met449Val)

Gene: PTCH1 (patched 1; minus strand). Cytogenetic location: 9q22.32.
Variant type: single nucleotide variant.
Coding change: c.1345A>G on transcript NM_000264.5 (MANE Select); coding-DNA position 1345, A replaced by G.
Protein change: p.Met449Val; replaces methionine 449 with valine.
Molecular consequence: missense variant. On other transcripts: non-coding transcript variant (1).
Genome position (GRCh38, 1-based): chr9:95,478,057, T>C on the plus strand (A>G on the coding strand, the complement: PTCH1 is on the minus strand). VCF-style: chr9-95478057-T-C. GRCh37 (hg19) VCF-style: chr9-98240339-T-C.
Other names: c.1147A>G, p.Met383Val (NM_001083602.3); c.1342A>G, p.Met448Val (NM_001083603.3); c.892A>G, p.Met298Val (NM_001083604.3, NM_001083605.3, NM_001083606.3 and 1 more transcripts); c.1345A>G, p.Met449Val (NM_001354918.2); short protein forms M298V, M448V, M449V, M383V.
Identifiers: ClinVar variation 818906 (VCV000818906.5), dbSNP rs1423684260, ClinGen allele CA374118705.
Genomic context (GRCh38, chr9:95,478,057, plus strand): 5'-AAAGACTAAAACAACCAAACCAAACTCCAGCCCCCAGGAGCATGGCATCGAGCGTTACCA[T>C]GAGTAAGTAGCCGCTGGCCACGCGGATGACACTGACGTCAGAGAAGGATTTCAGGATGTC-3'
Protein context (NP_000255.2, residues 439-459): VIRVASGYLL[Met449Val]LAYACLTMLR